The following continues an entry in ClinVar:

NM_000179.3(MSH6):c.2281A>G (p.Arg761Gly)

Gene: MSH6. ClinVar aggregate classification (germline): Conflicting classifications of pathogenicity. Uncertain significance (12); Likely benign (9).

Submissions 16 to 22 of 22:

KCCC/NGS Laboratory, Kuwait Cancer Control Center
Classification: Uncertain significance for Lynch syndrome 5. Last evaluated: 2023-07-07. Review status: criteria provided, single submitter. Criteria: ACMG Guidelines, 2015. Collection method: clinical testing. Allele origin: unknown. Affected: yes.
Comment: MSH6 c.2281A>G (p.Arg761Gly) results in a non-conservative amino acid change located in the DNA mismatch repair protein MutS. Four of five in-silico tools predict a damaging effect of the variant on protein function. The variant allele was found at a frequency of 0.00006 in 251138 control chromosomes (gnomAD). c.2281A>G has been reported in the literature in individuals affected with Hereditary Non-Polyposis Colon Cancer and melanoma (e.g. Martin-Morales_2018, Rey_2017, Ricker_2017, Yehia_2018). These reports do not provide unequivocal conclusions about association of the variant with Hereditary Non-Polyposis Colon Cancer. To our knowledge, no experimental evidence demonstrating an impact on protein function has been reported. Seven ClinVar submitters (evaluation after 2014) cite the variant as uncertain significance. Based on the evidence outlined above, the variant was classified as uncertain significance.

Sema4
Classification: Uncertain significance for Hereditary cancer-predisposing syndrome. Last evaluated: 2021-07-21. Review status: criteria provided, single submitter. Criteria: Sema4 Curation Guidelines. Collection method: curation. Allele origin: germline.
Comment: The MSH6 c.2281A>G (p.R761G) variant has been reported in at least four individuals with colorectal cancer and/or Lynch syndrome and in at least one individual with skin cutaneous melanoma (PMID: 30256826, 28502729, 28640387, 29684080). It was observed in 13/34586 chromosomes of the Latino subpopulation, including no homozygotes, in the large and broad cohorts of the Genome Aggregation Database (PMID: 32461654). The variant has been reported in ClinVar (Variation ID: 140836). Functional studies have not been performed, and in silico predictions of the variant's effect on protein function are inconclusive. The evidence is insufficient to meet ACMG/AMP criteria for classifying the variant as benign or pathogenic. Thus, the clinical significance of this variant is currently uncertain.

Ambry Genetics
Classification: Likely benign for Hereditary cancer-predisposing syndrome. Last evaluated: 2021-04-06. Review status: criteria provided, single submitter. Criteria: Ambry Variant Classification Scheme 2023. Collection method: clinical testing. Allele origin: germline.

ARUP Laboratories, Molecular Genetics and Genomics, ARUP Laboratories
Classification: Uncertain significance. Last evaluated: 2019-03-26. Review status: criteria provided, single submitter. Criteria: ARUP Molecular Germline Variant Investigation Process. Collection method: clinical testing. Allele origin: germline.
Comment: The MSH6 c.2281A>G; p.Arg761Gly variant (rs199876321) is reported in two probands who underwent hereditary colorectal cancer testing (Rey 2017). This variant is reported as uncertain significance by multiple laboratories in ClinVar (Variation ID: 140836). It is found in the general population with an overall allele frequency of 0.006% (15/251138 alleles) Genome Aggregation Database. The arginine at codon 761 is moderately conserved, but computational analyses (SIFT: Damaging, PolyPhen-2: Benign) predict conflicting effects of this variant on protein structure/function. Due to limited information, the clinical significance of this variant is uncertain at this time. REFERENCES Rey JM et al. Improving Mutation Screening in Patients with Colorectal Cancer Predisposition Using Next-Generation Sequencing. J Mol Diagn. 2017 Jul;19(4):589-601.

Illumina Laboratory Services, Illumina
Classification: Uncertain significance for Lynch syndrome 5. Last evaluated: 2017-04-27. Review status: criteria provided, single submitter. Criteria: ICSL Variant Classification Criteria 13 December 2019. Collection method: clinical testing. Allele origin: germline.
Comment: This variant was observed as part of a predisposition screen in an ostensibly healthy population. A literature search was performed for the gene, cDNA change, and amino acid change (where applicable). Publications were found based on this search. However, the evidence from the literature, in combination with allele frequency data from public databases where available, was not sufficient to rule this variant in or out of causing disease. Therefore, this variant is classified as a variant of unknown significance.

Breakthrough Genomics
Classification: Uncertain significance. Review status: criteria provided, single submitter. Criteria: ACMG Guidelines, 2015. Collection method: not provided. Allele origin: germline. Inheritance: Autosomal recessive inheritance. Affected: yes.

Counsyl
Classification: Uncertain significance for Lynch syndrome 5. Last evaluated: 2017-03-22. Review status: no assertion criteria provided. Collection method: clinical testing. Allele origin: unknown. Not counted in ClinVar's aggregate classification.

Literature cited by the submitters: PubMed 23621914 (cited by 4 submitters); PubMed 28502729 (cited by 6 submitters); PubMed 28640387 (cited by 6 submitters); PubMed 30256826 (cited by 6 submitters); PubMed 29684080 (cited by 6 submitters); PubMed 33471991 (cited by 4 submitters); PubMed 35089076 (cited by Women's Health and Genetics/Laboratory Corporation of America, LabCorp); PubMed 35245693 (cited by 4 submitters); PubMed 40209283 (cited by Women's Health and Genetics/Laboratory Corporation of America, LabCorp); PubMed 27363726 (cited by Myriad Genetics, Inc.); PubMed 30787465 (cited by Quest Diagnostics Nichols Institute San Juan Capistrano); PubMed 35451682 (cited by Quest Diagnostics Nichols Institute San Juan Capistrano); PubMed 26635394 (cited by Counsyl).